The following is an entry in ClinVar:

ClinVar aggregate classification (germline): Uncertain significance (1 of 4 stars; one submission).

Submission:

GeneDx
Classification: Uncertain significance. Last evaluated: 2022-07-20. Review status: criteria provided, single submitter. Criteria: GeneDx Variant Classification Process June 2021. Collection method: clinical testing. Allele origin: germline. Affected: yes.
Comment: Not observed at significant frequency in large population cohorts (gnomAD); In silico analysis supports that this missense variant does not alter protein structure/function; Has not been previously published as pathogenic or benign to our knowledge

NM_173500.4(TTBK2):c.3344T>C (p.Leu1115Pro)

Gene: TTBK2 (tau tubulin kinase 2; minus strand). Cytogenetic location: 15q15.2.
Variant type: single nucleotide variant.
Coding change: c.3344T>C on transcript NM_173500.4 (MANE Select); coding-DNA position 3344, T replaced by C.
Protein change: p.Leu1115Pro; replaces leucine 1115 with proline.
Molecular consequence: missense variant.
Genome position (GRCh38, 1-based): chr15:42,746,186, A>G on the plus strand (T>C on the coding strand, the complement: TTBK2 is on the minus strand). VCF-style: chr15-42746186-A-G. GRCh37 (hg19) VCF-style: chr15-43038384-A-G.
Other names: short protein forms L1115P.
Identifiers: ClinVar variation 2136037 (VCV002136037.1), dbSNP rs2506166368, ClinGen allele CA392066782.